The following is an entry in ClinVar:

ClinVar aggregate classification (germline): Uncertain significance (1 of 4 stars; one submission).

Conditions:
Familial focal epilepsy with variable foci (FPEVF). Identifiers: Orphanet 98820, MedGen C1858477, MONDO:0020310.

Allele frequency attached by ClinVar (database versions not stated): gnomAD 0.00001; gnomAD exomes 0.00001; ExAC 0.00002; TOPMed 0.00002; ESP Exome Variant Server 0.00008.
gnomAD v4.1: 40 of 1,613,854 alleles (0.0025%); highest among the groups gnomAD compares: Non-Finnish European, 0.0033%; no homozygotes.

Submission:

Labcorp Genetics (formerly Invitae), Labcorp
Classification: Uncertain significance for Familial focal epilepsy with variable foci. Last evaluated: 2024-06-03. Review status: criteria provided, single submitter. Criteria: Invitae Variant Classification Sherloc (09022015). Collection method: clinical testing. Allele origin: germline.
Comment: This sequence change replaces threonine, which is neutral and polar, with serine, which is neutral and polar, at codon 1534 of the DEPDC5 protein (p.Thr1534Ser). This variant is present in population databases (rs376838464, gnomAD 0.004%). This variant has not been reported in the literature in individuals affected with DEPDC5-related conditions. ClinVar contains an entry for this variant (Variation ID: 999794). Algorithms developed to predict the effect of missense changes on protein structure and function output the following: SIFT: "Not Available"; PolyPhen-2: "Not Available"; Align-GVGD: "Not Available". The serine amino acid residue is found in multiple mammalian species, which suggests that this missense change does not adversely affect protein function. In summary, the available evidence is currently insufficient to determine the role of this variant in disease. Therefore, it has been classified as a Variant of Uncertain Significance.

NM_001242896.3(DEPDC5):c.4601C>G (p.Thr1534Ser)

Gene: DEPDC5 (DEP domain containing 5, GATOR1 subcomplex subunit; plus strand). Cytogenetic location: 22q12.3.
Variant type: single nucleotide variant.
Coding change: c.4601C>G on transcript NM_001242896.3 (MANE Select); coding-DNA position 4601, C replaced by G.
Protein change: p.Thr1534Ser; replaces threonine 1534 with serine.
Molecular consequence: missense variant. On other transcripts: non-coding transcript variant (5).
Genome position (GRCh38, 1-based): chr22:31,906,286, C>G. VCF-style: chr22-31906286-C-G. GRCh37 (hg19) VCF-style: chr22-32302272-C-G.
Other names: c.4574C>G, p.Thr1525Ser (NM_001136029.4); c.4301C>G, p.Thr1434Ser (NM_001242897.2); c.4535C>G, p.Thr1512Ser (NM_001363852.2, NM_001364320.2); c.4367C>G, p.Thr1456Ser (NM_001363854.2, NM_001364319.2); c.4601C>G, p.Thr1534Ser (NM_001364318.2); c.4517C>G, p.Thr1506Ser (NM_001369901.1, NM_001369902.1); c.4508C>G, p.Thr1503Ser (NM_001369903.1, NM_014662.6); short protein forms T1434S, T1456S, T1503S, T1506S, T1512S, T1525S, T1534S.
Identifiers: ClinVar variation 999794 (VCV000999794.8), dbSNP rs376838464, ClinGen allele CA10197297.